The following is an entry in ClinVar:

ClinVar aggregate classification (germline): Pathogenic (1 of 4 stars; one submission).

Submission:

GeneDx
Classification: Pathogenic. Last evaluated: 2025-05-09. Review status: criteria provided, single submitter. Criteria: GeneDx Variant Classification Process June 2021. Collection method: clinical testing. Allele origin: germline.
Comment: Canonical splice site variant predicted to result in a null allele in a gene for which loss of function is a known mechanism of disease; Not observed at significant frequency in large population cohorts (gnomAD); Has not been previously published as pathogenic or benign to our knowledge

NM_014149.4(WDR91):c.1768+1G>A

Gene: WDR91 (WD repeat domain 91; minus strand). Cytogenetic location: 7q33.
Variant type: single nucleotide variant.
Coding change: c.1768+1G>A on transcript NM_014149.4 (MANE Select); the canonical splice donor site of the intron after coding-DNA position 1768, G replaced by A.
Molecular consequence: splice donor variant.
Genome position (GRCh38, 1-based): chr7:135,189,343, C>T on the plus strand (G>A on the coding strand, the complement: WDR91 is on the minus strand). VCF-style: chr7-135189343-C-T. GRCh37 (hg19) VCF-style: chr7-134874095-C-T.
Other names: c.1846+1G>A (NM_001362737.2); c.1825+1G>A (NM_001362736.2); c.1039+1G>A (NM_001362738.2).
Identifiers: ClinVar variation 2502091 (VCV002502091.2), dbSNP rs2537130353, ClinGen allele CA369342929.
Genomic context (GRCh38, chr7:135,189,343, plus strand): 5'-CAAAAAAAATTGCCTGGGAAATCTAAGGAGATCAAGGATTGCTATGAGCACACTTGCATA[C>T]CAAACAGCCGGATGACGCCATCAGCTGCCCCTGTGACCAGCAGGTTCCCGTTGTGATTGA-3'